The following is an entry in ClinVar:

ClinVar aggregate classification (germline): Uncertain significance. Review status: criteria provided, multiple submitters, no conflicts (2 of 4 stars). 5 submissions from 5 submitters: Uncertain significance (3). 2 of the submissions do not count toward it. Last evaluated 2024-06-19.

Conditions:
Fraser syndrome 3. Identifiers: MedGen C4540040, MONDO:0054739, OMIM 617667.
Microcephaly. Also called: Microcephaly (disease). Identifiers: MedGen C4551563, MONDO:0001149, HP:0000252.
Intellectual disability. Also called: intellectual disabilities; Intellectual functioning disability; Intellectual developmental disorder. Identifiers: MedGen C3714756, MeSH D008607, MONDO:0001071, HP:0001249.

Allele frequency attached by ClinVar (database versions not stated): gnomAD 0.00007 and 0.00006; TOPMed 0.00009.
gnomAD v4.1: 302 of 1,613,490 alleles (0.019%); highest among the groups gnomAD compares: East Asian, 0.16%; 1 homozygote.

Submissions (5):

Fulgent Genetics
Classification: Uncertain significance for Fraser syndrome 3. Last evaluated: 2024-06-19. Review status: criteria provided, single submitter. Criteria: ACMG Guidelines, 2015. Collection method: clinical testing. Allele origin: germline.

Labcorp Genetics (formerly Invitae), Labcorp
Classification: Uncertain significance. Last evaluated: 2022-07-09. Review status: criteria provided, single submitter. Criteria: Invitae Variant Classification Sherloc (09022015). Collection method: clinical testing. Allele origin: germline.
Comment: This sequence change replaces proline, which is neutral and non-polar, with leucine, which is neutral and non-polar, at codon 910 of the GRIP1 protein (p.Pro910Leu). This variant is present in population databases (rs540468070, gnomAD 0.07%). This variant has not been reported in the literature in individuals affected with GRIP1-related conditions. ClinVar contains an entry for this variant (Variation ID: 310299). Algorithms developed to predict the effect of missense changes on protein structure and function are either unavailable or do not agree on the potential impact of this missense change (SIFT: "Deleterious"; PolyPhen-2: "Benign"; Align-GVGD: "Class C0"). In summary, the available evidence is currently insufficient to determine the role of this variant in disease. Therefore, it has been classified as a Variant of Uncertain Significance.

Illumina Laboratory Services, Illumina
Classification: Uncertain significance for Fraser syndrome 3. Last evaluated: 2018-01-13. Review status: criteria provided, single submitter. Criteria: ICSL Variant Classification Criteria 13 December 2019. Collection method: clinical testing. Allele origin: germline.

Centre de Biologie Pathologie Génétique, Centre Hospitalier Universitaire de Lille
Classification: Uncertain significance for Intellectual disability. Last evaluated: 2019-01-01. Review status: no assertion criteria provided. Collection method: clinical testing. Allele origin: unknown. Affected: yes. Not counted in ClinVar's aggregate classification.

Department of Pediatrics, Samsung Medical Center, Samsung Medical Center
Classification: Uncertain significance for Microcephaly. Review status: no assertion criteria provided. Criteria: ACMG Guidelines, 2015. Collection method: research. Allele origin: germline. Affected: yes. Not counted in ClinVar's aggregate classification.

NM_001366722.1(GRIP1):c.2885C>T (p.Pro962Leu)

Gene: GRIP1 (glutamate receptor interacting protein 1; minus strand). Cytogenetic location: 12q14.3.
Variant type: single nucleotide variant.
Coding change: c.2885C>T on transcript NM_001366722.1 (MANE Select); coding-DNA position 2885, C replaced by T.
Protein change: p.Pro962Leu; replaces proline 962 with leucine.
Molecular consequence: missense variant.
Genome position (GRCh38, 1-based): chr12:66,371,821, G>A on the plus strand (C>T on the coding strand, the complement: GRIP1 is on the minus strand). VCF-style: chr12-66371821-G-A. GRCh37 (hg19) VCF-style: chr12-66765601-G-A.
Other names: c.2684C>T, p.Pro895Leu (NM_001178074.2); c.2804C>T, p.Pro935Leu (NM_001366723.1); c.2807C>T, p.Pro936Leu (NM_001366724.1); c.2729C>T, p.Pro910Leu (NM_021150.4); short protein forms P910L, P895L, P935L, P936L, P962L.
Identifiers: ClinVar variation 310299 (VCV000310299.10), dbSNP rs540468070, ClinGen allele CA6673992.